The following is an entry in ClinVar:

NM_005477.3(HCN4):c.1519G>A (p.Ala507Thr)

Gene: HCN4 (hyperpolarization activated cyclic nucleotide gated potassium channel 4; minus strand). Cytogenetic location: 15q24.1.
Variant type: single nucleotide variant.
Coding change: c.1519G>A on transcript NM_005477.3 (MANE Select); coding-DNA position 1519, G replaced by A.
Protein change: p.Ala507Thr; replaces alanine 507 with threonine.
Molecular consequence: missense variant.
Genome position (GRCh38, 1-based): chr15:73,329,644, C>T on the plus strand (G>A on the coding strand, the complement: HCN4 is on the minus strand). VCF-style: chr15-73329644-C-T. GRCh37 (hg19) VCF-style: chr15-73621985-C-T.
Other names: short protein forms A507T.
Identifiers: ClinVar variation 4269232 (VCV004269232.2).

ClinVar aggregate classification (germline): Uncertain significance. Review status: criteria provided, multiple submitters, no conflicts (2 of 4 stars). 2 submissions from 2 submitters: Uncertain significance (2). Last evaluated 2025-08-15.

Conditions:
Cardiovascular phenotype. Identifiers: MedGen CN230736.

gnomAD v4.1: 3 of 1,614,184 alleles (0.00019%); highest among the groups gnomAD compares: Non-Finnish European, 0.00025%; no homozygotes.

Submissions (2):

Ambry Genetics
Classification: Uncertain significance for Cardiovascular phenotype. Last evaluated: 2025-08-15. Review status: criteria provided, single submitter. Criteria: Ambry Variant Classification Scheme 2023. Collection method: clinical testing. Allele origin: germline.
Comment: The p.A507T variant (also known as c.1519G>A), located in coding exon 4 of the HCN4 gene, results from a G to A substitution at nucleotide position 1519. The alanine at codon 507 is replaced by threonine, an amino acid with similar properties. This variant was reported in individual(s) with features consistent with sick sinus syndrome (Ambry internal data). This amino acid position is highly conserved in available vertebrate species. In addition, this alteration is predicted to be deleterious by in silico analysis. Based on the available evidence, the clinical significance of this variant remains unclear.

Blueprint Genetics
Classification: Uncertain significance. Last evaluated: 2022-10-11. Review status: criteria provided, single submitter. Criteria: ACMG Guidelines, 2015. Collection method: clinical testing. Allele origin: germline.